The following is an entry in ClinVar:

ClinVar aggregate classification (germline): Uncertain significance. Review status: criteria provided, multiple submitters, no conflicts (2 of 4 stars). 2 submissions from 2 submitters: Uncertain significance (2). Last evaluated 2025-08-28.

Conditions:
Hereditary nonpolyposis colorectal neoplasms. Identifiers: MedGen C0009405, MeSH D003123.
Hereditary cancer-predisposing syndrome. Also called: Neoplastic Syndromes, Hereditary; Hereditary Cancer Syndrome; Tumor predisposition; Hereditary neoplastic syndrome. Identifiers: Orphanet 140162, MedGen C0027672, MeSH D009386, MONDO:0015356.

Submissions (2):

Ambry Genetics
Classification: Uncertain significance for Hereditary cancer-predisposing syndrome. Last evaluated: 2025-08-28. Review status: criteria provided, single submitter. Criteria: Ambry Variant Classification Scheme 2023. Collection method: clinical testing. Allele origin: germline.
Comment: The c.627+4G>C intronic variant results from a G to C substitution 4 nucleotides after coding exon 3 in the MSH6 gene. This nucleotide position is not well conserved in available vertebrate species. In silico splice site analysis for this alteration is inconclusive; however, direct evidence is insufficient at this time (Ambry internal data). Based on the available evidence, the clinical significance of this variant remains unclear.

Labcorp Genetics (formerly Invitae), Labcorp
Classification: Uncertain significance for Hereditary nonpolyposis colorectal neoplasms. Last evaluated: 2021-12-09. Review status: criteria provided, single submitter. Criteria: Invitae Variant Classification Sherloc (09022015). Collection method: clinical testing. Allele origin: germline.
Comment: This sequence change falls in intron 3 of the MSH6 gene. It does not directly change the encoded amino acid sequence of the MSH6 protein. It affects a nucleotide within the consensus splice site. This variant is not present in population databases (gnomAD no frequency). This variant has not been reported in the literature in individuals affected with MSH6-related conditions. Variants that disrupt the consensus splice site are a relatively common cause of aberrant splicing (PMID: 17576681, 9536098). Algorithms developed to predict the effect of sequence changes on RNA splicing suggest that this variant is not likely to affect RNA splicing. In summary, the available evidence is currently insufficient to determine the role of this variant in disease. Therefore, it has been classified as a Variant of Uncertain Significance.

Literature cited by the submitters: PubMed 17576681 (cited by Labcorp Genetics (formerly Invitae), Labcorp); PubMed 9536098 (cited by Labcorp Genetics (formerly Invitae), Labcorp).

NM_000179.3(MSH6):c.627+4G>C

Gene: MSH6 (mutS homolog 6; plus strand). Cytogenetic location: 2p16.3.
Variant type: single nucleotide variant.
Coding change: c.627+4G>C on transcript NM_000179.3 (MANE Select); 4 bases into the intron after coding-DNA position 627, G replaced by C.
Molecular consequence: intron variant.
Genome position (GRCh38, 1-based): chr2:47,796,067, G>C. VCF-style: chr2-47796067-G-C. GRCh37 (hg19) VCF-style: chr2-48023206-G-C.
Other names: c.627+4G>C (NM_000179.2); c.-279-2544G>C (NM_001281493.2); c.238-2544G>C (NM_001281492.2); c.-276+4G>C (NM_001281494.2).
Identifiers: ClinVar variation 2038628 (VCV002038628.7), dbSNP rs2104241533, ClinGen allele CA2580066845.